The following is an entry in ClinVar:

NM_004656.4(BAP1):c.375+1G>A

Gene: BAP1 (BRCA1 associated deubiquitinase 1; minus strand). Cytogenetic location: 3p21.1.
Variant type: single nucleotide variant.
Coding change: c.375+1G>A on transcript NM_004656.4 (MANE Select); the canonical splice donor site of the intron after coding-DNA position 375, G replaced by A.
Molecular consequence: splice donor variant.
Genome position (GRCh38, 1-based): chr3:52,407,957, C>T on the plus strand (G>A on the coding strand, the complement: BAP1 is on the minus strand). VCF-style: chr3-52407957-C-T. GRCh37 (hg19) VCF-style: chr3-52441973-C-T.
Other names: NC_000003.11:g.52441973C>T; c.375+1G>A (NM_001410772.1, NM_004656.2).
Identifiers: ClinVar variation 1802722 (VCV001802722.9), dbSNP rs775451516, ClinGen allele CA2437116.

ClinVar aggregate classification (germline): Pathogenic/Likely pathogenic. Review status: criteria provided, multiple submitters, no conflicts (2 of 4 stars). 3 submissions from 3 submitters: Pathogenic (1); Likely pathogenic (2). Last evaluated 2025-12-01.

Conditions:
Hereditary cancer-predisposing syndrome. Also called: Neoplastic Syndromes, Hereditary; Tumor predisposition; Hereditary Cancer Syndrome; Hereditary neoplastic syndrome. Identifiers: Orphanet 140162, MedGen C0027672, MeSH D009386, MONDO:0015356.
BAP1-related tumor predisposition syndrome (TPDS1). Also called: Tumor susceptibility linked to germline BAP1 mutations; COMMON Syndrome; TUMOR PREDISPOSITION SYNDROME 1; BAP1 tumor predisposition syndrome. Identifiers: Orphanet 289539, MedGen C3280492, MONDO:0013692, OMIM 614327.

Allele frequency attached by ClinVar (database versions not stated): ExAC 0.00001.

Submissions (4):

Ambry Genetics
Classification: Pathogenic for Hereditary cancer-predisposing syndrome. Last evaluated: 2025-12-01. Review status: criteria provided, single submitter. Criteria: Ambry Variant Classification Scheme 2023. Collection method: clinical testing. Allele origin: germline.
Comment: The c.375+1G>A intronic pathogenic mutation results from a G to A substitution one nucleotide after coding exon 5 of the BAP1 gene. Alterations that disrupt the canonical splice site are expected to result in aberrant splicing. In silico splice site analysis predicts that this alteration will weaken the native splice donor site. The resulting transcript is predicted to be in-frame and is not expected to trigger nonsense-mediated mRNA decay; however, direct evidence is unavailable. The exact functional effect of the altered amino acid sequence is unknown; however, the impacted region is critical for protein function and a significant portion of the protein is affected (Ambry internal data). This alteration was non-functional in a high throughput genome editing haploid cell survival functional assay (Waters, AJ et al. Nat Genet 2024 Jul;56(7):1434-1445). This variant has been observed in individuals with a personal and/or family history that is consistent with BAP1-associated disease, and shown to segregate with disease in one family (Ambry internal data). This variant has also been reported in a renal clear cell carcinoma patient from a cohort of 4034 cancer cases from The Cancer Genome Atlas (Lu C et al. Nat Commun. 2015 Dec 22;6:10086; Huang KL et al. Cell, 2018 Apr;173:355-370.e14; Massengill JB et al. Genes Chromosomes Cancer, 2018 Sep;57:478-481; Yang Y et al. BMC Urol, 2022 Nov;22:196). This variant is considered to be rare based on population cohorts in the Genome Aggregation Database (gnomAD). This nucleotide position is highly conserved in available vertebrate species. Based on the supporting evidence, this variant is interpreted as a disease-causing mutation.

Labcorp Genetics (formerly Invitae), Labcorp
Classification: Likely pathogenic for BAP1-related tumor predisposition syndrome. Last evaluated: 2025-04-30. Review status: criteria provided, single submitter. Criteria: Invitae Variant Classification Sherloc (09022015). Collection method: clinical testing. Allele origin: germline.
Comment: This sequence change affects a donor splice site in intron 5 of the BAP1 gene. It is expected to disrupt RNA splicing. Variants that disrupt the donor or acceptor splice site typically lead to a loss of protein function (PMID: 16199547), and loss-of-function variants in BAP1 are known to be pathogenic (PMID: 21874000, 23684012). This variant is present in population databases (rs775451516, gnomAD 0.0009%). Disruption of this splice site has been observed in individual(s) with clinical features of BAP1-related conditions (PMID: 26689913, 36451132, 38496821). ClinVar contains an entry for this variant (Variation ID: 1802722). Algorithms developed to predict the effect of sequence changes on RNA splicing suggest that this variant may disrupt the consensus splice site. In summary, the currently available evidence indicates that the variant is pathogenic, but additional data are needed to prove that conclusively. Therefore, this variant has been classified as Likely Pathogenic.

Center for Genomic Medicine, Rigshospitalet, Copenhagen University Hospital
Classification: Likely pathogenic. Last evaluated: 2025-03-04. Review status: criteria provided, single submitter. Criteria: ACMG Guidelines, 2015. Collection method: clinical testing. Allele origin: germline.

Dr. Peter K. Rogan Lab, Western University
No classification provided (evidence only). Condition: Clear cell carcinoma of kidney. Review status: no classification provided. Collection method: in vitro. Allele origin: not applicable. Functional consequence: retained intron. Not counted in ClinVar's aggregate classification.

Literature cited by the submitters: PubMed 26689913 (cited by Ambry Genetics and Labcorp Genetics (formerly Invitae), Labcorp); PubMed 29625052 (cited by Ambry Genetics); PubMed 29761599 (cited by Ambry Genetics); PubMed 36451132 (cited by Ambry Genetics and Labcorp Genetics (formerly Invitae), Labcorp); PubMed 38969833 (cited by Ambry Genetics); PubMed 16199547 (cited by Labcorp Genetics (formerly Invitae), Labcorp); PubMed 21874000 (cited by Labcorp Genetics (formerly Invitae), Labcorp); PubMed 23684012 (cited by Labcorp Genetics (formerly Invitae), Labcorp); PubMed 38496821 (cited by Labcorp Genetics (formerly Invitae), Labcorp).